The following is an entry in ClinVar:

Single allele

Genes: ZFHX3-AS1 (ZFHX3 antisense RNA 1; plus strand), LOC110120572 (VISTA enhancer hs20; plus strand). Cytogenetic location: 16q22.2.
Variant type: Deletion.
Identifiers: ClinVar variation 157370 (VCV000157370.2).

ClinVar aggregate classification (germline): not provided (0 of 4 stars; one submission).

Conditions:
Gestational diabetes mellitus uncontrolled. Identifiers: MedGen C3532257.

Submission:

Institute of Molecular and Cell Biology, University of Tartu
No classification provided. Condition: Gestational diabetes mellitus uncontrolled. Review status: no classification provided. Collection method: case-control. Allele origin: unknown. Affected: yes. Study: Kasak2014.
Comment: The study aimed to determine the contribution of copy number variants in the genetic etiology of normal and complicated pregnancies. The samples represented (i) maternal blood DNA drawn from healthy pregnant women during 1st or 2nd trimester and (ii) maternal and paternal blood DNA drawn at term pregnancy cases representing normal and complicated gestations (severe preeclampsia, PE; gestational diabetes, GD; small-for-gestational age newborn, SGA; large-for-gestational age newborn, LGA). We performed CNV calling based on genome-wide genotyping dataset (Illumina HumanOmniExpress-24-v1 BeadChip) by applying three algorithms, QuantiSNP, GADA (Genome Alteration Detection Algorithm) and CNstream in parallel. The acquired CNV calls were merged with HD-CNV (Hotspot Detector for Copy Number Variants) program and only the CNVs predicted by at least two programs, were considered in subsequent analysis.

Literature cited by the submitters: PubMed 25666259.